The following is an entry in ClinVar:

NM_001242896.3(DEPDC5):c.4741A>C (p.Ile1581Leu)

Gene: DEPDC5 (DEP domain containing 5, GATOR1 subcomplex subunit; plus strand). Cytogenetic location: 22q12.3.
Variant type: single nucleotide variant.
Coding change: c.4741A>C on transcript NM_001242896.3 (MANE Select); coding-DNA position 4741, A replaced by C.
Protein change: p.Ile1581Leu; replaces isoleucine 1581 with leucine.
Molecular consequence: missense variant. On other transcripts: non-coding transcript variant (5).
Genome position (GRCh38, 1-based): chr22:31,906,426, A>C. VCF-style: chr22-31906426-A-C. GRCh37 (hg19) VCF-style: chr22-32302412-A-C.
Other names: c.4714A>C, p.Ile1572Leu (NM_001136029.4); c.4441A>C, p.Ile1481Leu (NM_001242897.2); c.4675A>C, p.Ile1559Leu (NM_001363852.2, NM_001364320.2); c.4507A>C, p.Ile1503Leu (NM_001363854.2, NM_001364319.2); c.4741A>C, p.Ile1581Leu (NM_001364318.2); c.4657A>C, p.Ile1553Leu (NM_001369901.1, NM_001369902.1); c.4648A>C, p.Ile1550Leu (NM_001369903.1, NM_014662.6); short protein forms I1559L, I1553L, I1481L, I1581L, I1503L, I1550L, I1572L.
Identifiers: ClinVar variation 4294365 (VCV004294365.1).

ClinVar aggregate classification (germline): Uncertain significance (1 of 4 stars; one submission).

Conditions:
Epilepsy, familial focal, with variable foci 1 (FFEVF1). Also called: DEPDC5-Related Epilepsy. Identifiers: MedGen C4551983, MONDO:0024556, OMIM 604364.

gnomAD v4.1: 1 of 1,613,954 alleles (0.000062%); highest among the groups gnomAD compares: Non-Finnish European, 0.000085%; no homozygotes.

Submission:

Laboratoire Génétique Moléculaire, CHRU TOURS
Classification: Uncertain significance for Epilepsy, familial focal, with variable foci 1. Last evaluated: 2022-07-25. Review status: criteria provided, single submitter. Criteria: ACMG Guidelines, 2015. Collection method: clinical testing. Allele origin: paternal.
Comment: PM2;BP4